The following is an entry in ClinVar:

ClinVar aggregate classification (germline): Likely benign. Review status: criteria provided, multiple submitters, no conflicts (2 of 4 stars). 3 submissions from 3 submitters: Likely benign (2). 1 of the submissions does not count toward it. Last evaluated 2024-11-22.

Conditions:
TTC12-related disorder. Also called: TTC12-related condition.

Allele frequency attached by ClinVar (database versions not stated): ESP Exome Variant Server 0.00085; gnomAD 0.00094; ExAC 0.00126; 1000 Genomes Project 30x 0.00156; 1000 Genomes Project 0.00160.
gnomAD v4.1: 2,563 of 1,613,866 alleles (0.16%); highest among the groups gnomAD compares: South Asian, 0.24%; 9 homozygotes.

Submissions (3):

Blueprint Genetics
Classification: Likely benign. Last evaluated: 2024-11-22. Review status: criteria provided, single submitter. Criteria: ACMG Guidelines, 2015. Collection method: clinical testing. Allele origin: germline.

CeGaT Center for Human Genetics Tuebingen
Classification: Likely benign. Last evaluated: 2024-01-01. Review status: criteria provided, single submitter. Criteria: CeGaT Center For Human Genetics Tuebingen Variant Classification Criteria Version 2. Collection method: clinical testing. Allele origin: germline. Affected: yes. Observed: 1 variant allele.
Comment: TTC12: BP4, BP7

PreventionGenetics, part of Exact Sciences
Classification: Likely benign for TTC12-related condition. Last evaluated: 2023-08-14. Review status: no assertion criteria provided. Collection method: clinical testing. Allele origin: germline. Not counted in ClinVar's aggregate classification.
Comment: This variant is classified as likely benign based on ACMG/AMP sequence variant interpretation guidelines (Richards et al. 2015 PMID: 25741868, with internal and published modifications).

NM_017868.4(TTC12):c.1770G>A (p.Thr590=)

Gene: TTC12 (tetratricopeptide repeat domain 12; plus strand). Cytogenetic location: 11q23.2.
Variant type: single nucleotide variant.
Coding change: c.1770G>A on transcript NM_017868.4 (MANE Select); coding-DNA position 1770, G replaced by A.
Protein change: p.Thr590=; no amino-acid change (threonine 590 retained).
Molecular consequence: synonymous variant. On other transcripts: non-coding transcript variant (3).
Genome position (GRCh38, 1-based): chr11:113,363,881, G>A. VCF-style: chr11-113363881-G-A. GRCh37 (hg19) VCF-style: chr11-113234603-G-A.
Other names: c.1788G>A, p.Thr596= (NM_001318533.2); c.1695G>A, p.Thr565= (NM_001352037.2); c.1773G>A, p.Thr591= (NM_001378063.1); c.1770G>A, p.Thr590= (NM_001378064.1, NM_001378065.1); c.1788G>A (NM_001318533.1).
Identifiers: ClinVar variation 3025117 (VCV003025117.24), dbSNP rs34940277, ClinGen allele CA6280288.